The following is an entry in ClinVar:

ClinVar aggregate classification (germline): Benign/Likely benign. Review status: criteria provided, multiple submitters, no conflicts (2 of 4 stars). 5 submissions from 5 submitters: Benign (1); Likely benign (4). Last evaluated 2025-12-30.

Conditions:
Hereditary cancer-predisposing syndrome. Also called: Tumor predisposition; Neoplastic Syndromes, Hereditary; Hereditary Cancer Syndrome; Hereditary neoplastic syndrome. Identifiers: Orphanet 140162, MedGen C0027672, MeSH D009386, MONDO:0015356.
Familial cancer of breast. Also called: BREAST CANCER, FAMILIAL; hereditary breast carcinoma; Hereditary breast cancer. Identifiers: Orphanet 227535, MedGen C0346153, MONDO:0016419, OMIM 114480. Disease mechanism: loss of function.
Ataxia-telangiectasia syndrome (AT). Also called: Ataxia-telangiectasia; Ataxia-telangiectasia, complementation group D; AT, COMPLEMENTATION GROUP C; LOUIS-BAR SYNDROME; Cerebello-oculocutaneous telangiectasia; Immunodeficiency with ataxia telangiectasia. Identifiers: Orphanet 100, MedGen C0004135, MONDO:0008840, OMIM 208900.

gnomAD v4.1: 1 of 1,613,314 alleles (0.000062%); no homozygotes.

Submissions (5):

Labcorp Genetics (formerly Invitae), Labcorp
Classification: Likely benign for Ataxia-telangiectasia syndrome. Last evaluated: 2025-12-30. Review status: criteria provided, single submitter. Criteria: Invitae Variant Classification Sherloc (09022015). Collection method: clinical testing. Allele origin: germline.

Myriad Genetics, Inc.
Classification: Benign for Familial cancer of breast. Last evaluated: 2024-05-15. Review status: criteria provided, single submitter. Criteria: Myriad Autosomal Dominant, Autosomal Recessive and X-Linked Classification Criteria (2023). Collection method: clinical testing. Allele origin: unknown.
Comment: This variant is considered benign. This variant is a silent/synonymous amino acid change and it is not expected to impact splicing.

Color Diagnostics, LLC DBA Color Health
Classification: Likely benign for Hereditary cancer-predisposing syndrome. Last evaluated: 2017-10-09. Review status: criteria provided, single submitter. Criteria: ACMG Guidelines, 2015. Collection method: clinical testing. Allele origin: germline.

GeneDx
Classification: Likely benign. Last evaluated: 2017-07-19. Review status: criteria provided, single submitter. Criteria: GeneDx Variant Classification (06012015). Collection method: clinical testing. Allele origin: germline. Affected: yes.
Comment: This variant is considered likely benign or benign based on one or more of the following criteria: it is a conservative change, it occurs at a poorly conserved position in the protein, it is predicted to be benign by multiple in silico algorithms, and/or has population frequency not consistent with disease.

Ambry Genetics
Classification: Likely benign for Hereditary cancer-predisposing syndrome. Last evaluated: 2017-04-20. Review status: criteria provided, single submitter. Criteria: Ambry Variant Classification Scheme 2023. Collection method: clinical testing. Allele origin: germline.

NM_000051.4(ATM):c.3594T>C (p.Ser1198=)

Gene: ATM (ATM serine/threonine kinase; plus strand). Cytogenetic location: 11q22.3.
Variant type: single nucleotide variant.
Coding change: c.3594T>C on transcript NM_000051.4 (MANE Select); coding-DNA position 3594, T replaced by C.
Protein change: p.Ser1198=; no amino-acid change (serine 1198 retained).
Molecular consequence: synonymous variant.
Genome position (GRCh38, 1-based): chr11:108,282,727, T>C. VCF-style: chr11-108282727-T-C. GRCh37 (hg19) VCF-style: chr11-108153454-T-C.
Other names: c.3594T>C, p.Ser1198= (NM_001351834.2).
Identifiers: ClinVar variation 490540 (VCV000490540.15), dbSNP rs1555092263, ClinGen allele CA476673214.